The following is an entry in ClinVar:

NM_024675.4(PALB2):c.1395G>A (p.Met465Ile)

Gene: PALB2 (partner and localizer of BRCA2; minus strand). Cytogenetic location: 16p12.2.
Variant type: single nucleotide variant.
Coding change: c.1395G>A on transcript NM_024675.4 (MANE Select); coding-DNA position 1395, G replaced by A.
Protein change: p.Met465Ile; replaces methionine 465 with isoleucine.
Molecular consequence: missense variant.
Genome position (GRCh38, 1-based): chr16:23,635,151, C>T on the plus strand (G>A on the coding strand, the complement: PALB2 is on the minus strand). VCF-style: chr16-23635151-C-T. GRCh37 (hg19) VCF-style: chr16-23646472-C-T.
Other names: short protein forms M465I.
Identifiers: ClinVar variation 186522 (VCV000186522.19), dbSNP rs746805049, ClinGen allele CA195077.

ClinVar aggregate classification (germline): Uncertain significance. Review status: criteria provided, multiple submitters, no conflicts (2 of 4 stars). 3 submissions from 3 submitters: Uncertain significance (3). Last evaluated 2023-06-01.

Conditions:
Hereditary cancer-predisposing syndrome. Also called: Neoplastic Syndromes, Hereditary; Tumor predisposition; Hereditary Cancer Syndrome; Hereditary neoplastic syndrome. Identifiers: Orphanet 140162, MedGen C0027672, MeSH D009386, MONDO:0015356.
Familial cancer of breast. Also called: BREAST CANCER, FAMILIAL; Hereditary breast cancer; hereditary breast carcinoma. Identifiers: Orphanet 227535, MedGen C0346153, MONDO:0016419, OMIM 114480. Disease mechanism: loss of function.

Allele frequency attached by ClinVar (database versions not stated): gnomAD exomes below 0.00001 and 0.00001; ExAC 0.00001.
gnomAD v4.1: 2 of 1,614,190 alleles (0.00012%); highest among the groups gnomAD compares: South Asian, 0.0022%; no homozygotes.

Submissions (3):

Ambry Genetics
Classification: Uncertain significance for Hereditary cancer-predisposing syndrome. Last evaluated: 2023-06-01. Review status: criteria provided, single submitter. Criteria: Ambry Variant Classification Scheme 2023. Collection method: clinical testing. Allele origin: germline.
Comment: The p.M465I variant (also known as c.1395G>A), located in coding exon 4 of the PALB2 gene, results from a G to A substitution at nucleotide position 1395. The methionine at codon 465 is replaced by isoleucine, an amino acid with highly similar properties. This amino acid position is not well conserved in available vertebrate species. In addition, this alteration is predicted to be tolerated by in silico analysis. Since supporting evidence is limited at this time, the clinical significance of this alteration remains unclear.

Labcorp Genetics (formerly Invitae), Labcorp
Classification: Uncertain significance for Familial cancer of breast. Last evaluated: 2019-10-25. Review status: criteria provided, single submitter. Criteria: Invitae Variant Classification Sherloc (09022015). Collection method: clinical testing. Allele origin: germline.
Comment: This variant has not been reported in the literature in individuals with PALB2-related disease. ClinVar contains an entry for this variant (Variation ID: 186522). Algorithms developed to predict the effect of missense changes on protein structure and function output the following: SIFT: "Tolerated"; PolyPhen-2: "Benign"; Align-GVGD: "Class C0". The isoleucine amino acid residue is found in multiple mammalian species, suggesting that this missense change does not adversely affect protein function. These predictions have not been confirmed by published functional studies and their clinical significance is uncertain. This sequence change replaces methionine with isoleucine at codon 465 of the PALB2 protein (p.Met465Ile). The methionine residue is moderately conserved and there is a small physicochemical difference between methionine and isoleucine. This variant is present in population databases (rs746805049, ExAC 0.006%). In summary, the available evidence is currently insufficient to determine the role of this variant in disease. Therefore, it has been classified as a Variant of Uncertain Significance.

Color Diagnostics, LLC DBA Color Health
Classification: Uncertain significance for Hereditary cancer-predisposing syndrome. Last evaluated: 2018-12-30. Review status: criteria provided, single submitter. Criteria: ACMG Guidelines, 2015. Collection method: clinical testing. Allele origin: germline.